The following is an entry in ClinVar:

NM_015541.3(LRIG1):c.2554C>A (p.Arg852=)

Gene: LRIG1 (leucine rich repeats and immunoglobulin like domains 1; minus strand). Cytogenetic location: 3p14.1.
Variant type: single nucleotide variant.
Coding change: c.2554C>A on transcript NM_015541.3 (MANE Select); coding-DNA position 2554, C replaced by A.
Protein change: p.Arg852=; no amino-acid change (arginine 852 retained).
Molecular consequence: synonymous variant.
Genome position (GRCh38, 1-based): chr3:66,382,336, G>T on the plus strand (C>A on the coding strand, the complement: LRIG1 is on the minus strand). VCF-style: chr3-66382336-G-T. GRCh37 (hg19) VCF-style: chr3-66432760-G-T.
Other names: c.2479C>A, p.Arg827= (NM_001377344.1); c.1774C>A, p.Arg592= (NM_001377345.1, NM_001377346.1); c.1552C>A, p.Arg518= (NM_001377347.1); c.1525C>A, p.Arg509= (NM_001377348.1); c.1270C>A, p.Arg424= (NM_001377349.1).
Identifiers: ClinVar variation 2653956 (VCV002653956.24), dbSNP rs142523690, ClinGen allele CA2484313.

ClinVar aggregate classification (germline): Likely benign (1 of 4 stars; one submission).

Allele frequency attached by ClinVar (database versions not stated): ESP Exome Variant Server 0.00038.
gnomAD v4.1: 685 of 1,614,020 alleles (0.042%); highest among the groups gnomAD compares: Non-Finnish European, 0.053%; no homozygotes.

Submission:

CeGaT Center for Human Genetics Tuebingen
Classification: Likely benign. Last evaluated: 2023-01-01. Review status: criteria provided, single submitter. Criteria: CeGaT Center For Human Genetics Tuebingen Variant Classification Criteria Version 2. Collection method: clinical testing. Allele origin: germline. Affected: yes. Observed: 1 variant allele.
Comment: LRIG1: BP4, BP7